The following is an entry in ClinVar:

ClinVar aggregate classification (germline): Uncertain significance. Review status: criteria provided, multiple submitters, no conflicts (2 of 4 stars). 2 submissions from 2 submitters: Uncertain significance (2). Last evaluated 2025-12-30.

Conditions:
Inborn genetic diseases. Identifiers: MedGen C0950123, MeSH D030342.

Allele frequency attached by ClinVar (database versions not stated): TOPMed below 0.00001; gnomAD exomes below 0.00001; gnomAD 0.00001.

Submissions (2):

Ambry Genetics
Classification: Uncertain significance for Inborn genetic diseases. Last evaluated: 2025-12-30. Review status: criteria provided, single submitter. Criteria: Ambry Variant Classification Scheme 2023. Collection method: clinical testing. Allele origin: germline.
Comment: The p.E31K variant (also known as c.91G>A), located in coding exon 2 of the DDX41 gene, results from a G to A substitution at nucleotide position 91. The glutamic acid at codon 31 is replaced by lysine, an amino acid with similar properties. This amino acid position is well conserved in available vertebrate species. In addition, this alteration is predicted to be tolerated by in silico analysis. Based on the available evidence, the clinical significance of this variant remains unclear.

GeneDx
Classification: Uncertain significance. Last evaluated: 2016-04-18. Review status: criteria provided, single submitter. Criteria: GeneDx Variant Classification (06012015). Collection method: clinical testing. Allele origin: germline. Affected: yes.
Comment: The E31K variant in the DDX41 gene has not been reported previously as a pathogenic variant, nor as a benign variant, to our knowledge. The E31K variant was not observed in approximately 6500 individuals of European and African American ancestry in the NHLBI Exome Sequencing Project, indicating it is not a common benign variant in these populations. The E31K variant is a non-conservative amino acid substitution, which is likely to impact secondary protein structure as these residues differ in polarity, charge, size and/or other properties. This substitution occurs at a position where amino acids with similar properties to Glutamic Acid are tolerated across species. In silico analysis is inconsistent in its predictions as to whether or not the variant is damaging to the protein structure/function. We interpret E31K as a variant of uncertain significance.

NM_016222.4(DDX41):c.91G>A (p.Glu31Lys)

Gene: DDX41 (DEAD-box helicase 41; minus strand). Cytogenetic location: 5q35.3.
Variant type: single nucleotide variant.
Coding change: c.91G>A on transcript NM_016222.4 (MANE Select); coding-DNA position 91, G replaced by A.
Protein change: p.Glu31Lys; replaces glutamic acid 31 with lysine.
Molecular consequence: missense variant. On other transcripts: 5 prime UTR variant (2).
Genome position (GRCh38, 1-based): chr5:177,516,772, C>T on the plus strand (G>A on the coding strand, the complement: DDX41 is on the minus strand). VCF-style: chr5-177516772-C-T. GRCh37 (hg19) VCF-style: chr5-176943773-C-T.
Other names: c.91G>A, p.Glu31Lys (LRG_1386t1); c.-565G>A (NM_001321732.2); c.-357G>A (NM_001321830.2); short protein forms E31K.
Identifiers: ClinVar variation 421000 (VCV000421000.3), dbSNP rs1064794842, ClinGen allele CA16618188.